The following is an entry in ClinVar:

ClinVar aggregate classification (germline): Conflicting classifications of pathogenicity. Review status: criteria provided, conflicting classifications (1 of 4 stars). 4 submissions from 4 submitters: Uncertain significance (3); Likely benign (1). Last evaluated 2025-11-20.

Conditions:
Facial dysmorphism-immunodeficiency-livedo-short stature syndrome. Also called: Facial dysmorphism, immunodeficiency, livedo, and short stature; FILS syndrome. Identifiers: Orphanet 352712, MedGen C3554576, MONDO:0014058, OMIM 615139.
Intrauterine growth retardation, metaphyseal dysplasia, adrenal hypoplasia congenita, genital anomalies, and immunodeficiency. Also called: IMAGEI SYNDROME. Identifiers: MedGen C5193036, MONDO:0032684, OMIM 618336.
Colorectal cancer, susceptibility to, 12 (CRCS12). Also called: COLORECTAL CANCER, SUSCEPTIBILITY TO, ON CHROMOSOME 12q24. Identifiers: Orphanet 220460, MedGen C3554460, MONDO:0014038, OMIM 615083.
Hereditary cancer-predisposing syndrome. Also called: Neoplastic Syndromes, Hereditary; Tumor predisposition; Hereditary Cancer Syndrome; Hereditary neoplastic syndrome. Identifiers: Orphanet 140162, MedGen C0027672, MeSH D009386, MONDO:0015356.

Allele frequency attached by ClinVar (database versions not stated): gnomAD below 0.00001 and 0.00001; TOPMed below 0.00001; ExAC 0.00001; gnomAD exomes 0.00001.
gnomAD v4.1: 12 of 1,612,430 alleles (0.00074%); highest among the groups gnomAD compares: South Asian, 0.011%; no homozygotes.

Submissions (4):

Labcorp Genetics (formerly Invitae), Labcorp
Classification: Uncertain significance. Last evaluated: 2025-11-20. Review status: criteria provided, single submitter. Criteria: Invitae Variant Classification Sherloc (09022015). Collection method: clinical testing. Allele origin: germline.
Comment: This sequence change replaces serine, which is neutral and polar, with leucine, which is neutral and non-polar, at codon 1380 of the POLE protein (p.Ser1380Leu). This variant is present in population databases (rs762090058, gnomAD 0.003%). This variant has not been reported in the literature in individuals affected with POLE-related conditions. ClinVar contains an entry for this variant (Variation ID: 473644). Invitae Evidence Modeling of protein sequence and biophysical properties (such as structural, functional, and spatial information, amino acid conservation, physicochemical variation, residue mobility, and thermodynamic stability) indicates that this missense variant is not expected to disrupt POLE protein function with a negative predictive value of 80%. In summary, the available evidence is currently insufficient to determine the role of this variant in disease. Therefore, it has been classified as a Variant of Uncertain Significance.

Ambry Genetics
Classification: Likely benign for Hereditary cancer-predisposing syndrome. Last evaluated: 2025-03-27. Review status: criteria provided, single submitter. Criteria: Ambry Variant Classification Scheme 2023. Collection method: clinical testing. Allele origin: germline.

Department of Pathology and Laboratory Medicine, Sinai Health System
Classification: Uncertain significance for Colorectal cancer, susceptibility to, 12; Facial dysmorphism-immunodeficiency-livedo-short stature syndrome; Intrauterine growth retardation, metaphyseal dysplasia, adrenal hypoplasia congenita, genital anomalies, and immunodeficiency. Last evaluated: 2020-05-07. Review status: criteria provided, single submitter. Criteria: ACMG Guidelines, 2015. Collection method: clinical testing. Allele origin: germline.

GeneDx
Classification: Uncertain significance. Last evaluated: 2019-11-20. Review status: criteria provided, single submitter. Criteria: GeneDx Variant Classification Process June 2021. Collection method: clinical testing. Allele origin: germline. Affected: yes.
Comment: Not observed at a significant frequency in large population cohorts (Lek 2016); In silico analysis, which includes protein predictors and evolutionary conservation, supports that this variant does not alter protein structure/function; Has not been previously published as pathogenic or benign to our knowledge; This variant is associated with the following publications: (PMID: 29320758)

NM_006231.4(POLE):c.4139C>T (p.Ser1380Leu)

Gene: POLE (DNA polymerase epsilon, catalytic subunit; minus strand). Cytogenetic location: 12q24.33.
Variant type: single nucleotide variant.
Coding change: c.4139C>T on transcript NM_006231.4 (MANE Select); coding-DNA position 4139, C replaced by T.
Protein change: p.Ser1380Leu; replaces serine 1380 with leucine.
Molecular consequence: missense variant.
Genome position (GRCh38, 1-based): chr12:132,648,939, G>A on the plus strand (C>T on the coding strand, the complement: POLE is on the minus strand). VCF-style: chr12-132648939-G-A. GRCh37 (hg19) VCF-style: chr12-133225525-G-A.
Other names: short protein forms S1380L.
Identifiers: ClinVar variation 473644 (VCV000473644.13), dbSNP rs762090058, ClinGen allele CA6892991.